The following is an entry in ClinVar:

NM_005807.6(PRG4):c.1578C>T (p.Thr526=)

Gene: PRG4 (proteoglycan 4; plus strand). Cytogenetic location: 1q31.1.
Variant type: single nucleotide variant.
Coding change: c.1578C>T on transcript NM_005807.6 (MANE Select); coding-DNA position 1578, C replaced by T.
Protein change: p.Thr526=; no amino-acid change (threonine 526 retained).
Molecular consequence: synonymous variant.
Genome position (GRCh38, 1-based): chr1:186,307,297, C>T. VCF-style: chr1-186307297-C-T. GRCh37 (hg19) VCF-style: chr1-186276429-C-T.
Other names: c.1176C>T, p.Thr392= (NM_001127710.3); c.1449C>T, p.Thr483= (NM_001303232.2); c.1455C>T, p.Thr485= (NM_001127708.3); c.1299C>T, p.Thr433= (NM_001127709.3).
Identifiers: ClinVar variation 2639655 (VCV002639655.24), dbSNP rs745710300, ClinGen allele CA1296180.

ClinVar aggregate classification (germline): Likely benign (1 of 4 stars; one submission).

Allele frequency attached by ClinVar (database versions not stated): ExAC 0.00006.

Submission:

CeGaT Center for Human Genetics Tuebingen
Classification: Likely benign. Last evaluated: 2023-03-01. Review status: criteria provided, single submitter. Criteria: CeGaT Center For Human Genetics Tuebingen Variant Classification Criteria Version 2. Collection method: clinical testing. Allele origin: germline. Affected: yes. Observed: 1 variant allele.
Comment: PRG4: BP4, BP7